The following is an entry in ClinVar:

NM_017617.5(NOTCH1):c.1800_1801dup (p.Glu601fs)

Gene: NOTCH1 (notch receptor 1; minus strand). Cytogenetic location: 9q34.3.
Variant type: Duplication.
Coding change: c.1800_1801dup on transcript NM_017617.5 (MANE Select); coding-DNA positions 1800 to 1801, 2 bases duplicated (CG; older notation c.1800_1801dupCG).
Protein change: p.Glu601fs; shifts the reading frame from glutamic acid 601.
Molecular consequence: frameshift variant.
Genome position (GRCh38, 1-based): chr9:136,515,585-136,515,586, CG duplicated on the plus strand (CG on the coding strand, the reverse complement: NOTCH1 is on the minus strand); duplicating any 2 consecutive bases within chr9:136,515,585-136,515,587 gives the same sequence; the c. name uses the placement nearest the transcript's 3' end. VCF-style (leftmost placement, unchanged base first): chr9-136515584-T-TCG. GRCh37 (hg19) VCF-style: chr9-139410036-T-TCG.
Other names: short protein forms E601fs.
Identifiers: ClinVar variation 1409179 (VCV001409179.6), dbSNP rs1843252720, ClinGen allele CA2497273420.
Genomic context (GRCh38, chr9:136,515,584, plus strand): 5'-CGGTCCTGGCAGGTGCCCCCGTGGCGGCAGGGCTGGCTGGAGCACTCGTTGATGTTGGTC[T>TCG]CGCAGTGGTGGCCCGTGTAGCCTGGGCGGCAGAGGCAGGTGAAGGTGGCGACGCCGTCCT-3'

ClinVar aggregate classification (germline): Pathogenic (1 of 4 stars; one submission).

Conditions:
Adams-Oliver syndrome 5 (AOS5). Identifiers: Orphanet 974, MedGen C4014970, MONDO:0014459, OMIM 616028.

Submission:

Labcorp Genetics (formerly Invitae), Labcorp
Classification: Pathogenic for Adams-Oliver syndrome 5. Last evaluated: 2021-04-24. Review status: criteria provided, single submitter. Criteria: Invitae Variant Classification Sherloc (09022015). Collection method: clinical testing. Allele origin: germline.
Comment: For these reasons, this variant has been classified as Pathogenic. This variant has not been reported in the literature in individuals with NOTCH1-related conditions. This variant is not present in population databases (ExAC no frequency). This sequence change creates a premature translational stop signal (p.Glu601Alafs*31) in the NOTCH1 gene. It is expected to result in an absent or disrupted protein product. Loss-of-function variants in NOTCH1 are known to be pathogenic (PMID: 16025100, 21457232, 25132448, 25963545).

Literature cited by the submitters: PubMed 16025100; PubMed 21457232; PubMed 25132448; PubMed 25963545.